The following is an entry in ClinVar:

NM_001291303.3(FAT4):c.5470G>C (p.Asp1824His)

Gene: FAT4 (FAT atypical cadherin 4; plus strand). Cytogenetic location: 4q28.1.
Variant type: single nucleotide variant.
Coding change: c.5470G>C on transcript NM_001291303.3 (MANE Select); coding-DNA position 5470, G replaced by C.
Protein change: p.Asp1824His; replaces aspartic acid 1824 with histidine.
Molecular consequence: missense variant.
Genome position (GRCh38, 1-based): chr4:125,407,042, G>C. VCF-style: chr4-125407042-G-C. GRCh37 (hg19) VCF-style: chr4-126328197-G-C.
Other names: c.5470G>C, p.Asp1824His (NM_001291285.3, NM_024582.6); short protein forms D1824H.
Identifiers: ClinVar variation 2109105 (VCV002109105.1), dbSNP rs779438847, ClinGen allele CA3072729.
Genomic context (GRCh38, chr4:125,407,042, plus strand): 5'-AGGGAACGCCGCTCCAAATATTCACTGCTAGTTCGTGCTGATGATGGTCTTCAGTCCTCG[G>C]ATATGAGAATTAATATCACTGTCAGTGATGTGAATGACCATACACCCAAATTTTCCAGAC-3'
Protein context (NP_001278232.1, residues 1814-1834): VRADDGLQSS[Asp1824His]MRINITVSDV

ClinVar aggregate classification (germline): Uncertain significance (1 of 4 stars; one submission).

Allele frequency attached by ClinVar (database versions not stated): gnomAD 0.00001; gnomAD exomes 0.00001; ExAC 0.00002; TOPMed 0.00002.
gnomAD v4.1: 6 of 1,613,704 alleles (0.00037%); highest among the groups gnomAD compares: African/African-American, 0.0053%; no homozygotes.

Submission:

Labcorp Genetics (formerly Invitae), Labcorp
Classification: Uncertain significance. Last evaluated: 2022-03-11. Review status: criteria provided, single submitter. Criteria: Invitae Variant Classification Sherloc (09022015). Collection method: clinical testing. Allele origin: germline.
Comment: This sequence change replaces aspartic acid, which is acidic and polar, with histidine, which is basic and polar, at codon 1824 of the FAT4 protein (p.Asp1824His). This variant is present in population databases (rs779438847, gnomAD 0.01%). This variant has not been reported in the literature in individuals affected with FAT4-related conditions. Advanced modeling of protein sequence and biophysical properties (such as structural, functional, and spatial information, amino acid conservation, physicochemical variation, residue mobility, and thermodynamic stability) performed at Invitae indicates that this missense variant is not expected to disrupt FAT4 protein function. In summary, the available evidence is currently insufficient to determine the role of this variant in disease. Therefore, it has been classified as a Variant of Uncertain Significance.